The following is an entry in ClinVar:

ClinVar aggregate classification (germline): Likely benign. Review status: criteria provided, multiple submitters, no conflicts (2 of 4 stars). 2 submissions from 2 submitters: Likely benign (2). Last evaluated 2025-12-25.

Conditions:
LEFTY2-related disorder. Also called: LEFTY2-related condition.
Left-right axis malformations. Identifiers: MedGen C1866091.

gnomAD v4.1: 63 of 1,614,052 alleles (0.0039%); highest among the groups gnomAD compares: Middle Eastern, 0.033%; 1 homozygote.

Submissions (2):

Labcorp Genetics (formerly Invitae), Labcorp
Classification: Likely benign for Left-right axis malformations. Last evaluated: 2025-12-25. Review status: criteria provided, single submitter. Criteria: Invitae Variant Classification Sherloc (09022015). Collection method: clinical testing. Allele origin: germline.

PreventionGenetics, part of Exact Sciences
Classification: Likely benign for LEFTY2-related condition. Last evaluated: 2025-05-22. Review status: criteria provided, single submitter. Criteria: ACMG Guidelines, 2015. Collection method: clinical testing. Allele origin: germline.
Comment: This variant is classified as likely benign based on ACMG/AMP sequence variant interpretation guidelines (Richards et al. 2015 PMID: 25741868, with internal and published modifications).

NM_003240.5(LEFTY2):c.1071G>T (p.Gly357=)

Gene: LEFTY2 (left-right determination factor 2; minus strand). Cytogenetic location: 1q42.12.
Variant type: single nucleotide variant.
Coding change: c.1071G>T on transcript NM_003240.5 (MANE Select); coding-DNA position 1071, G replaced by T.
Protein change: p.Gly357=; no amino-acid change (glycine 357 retained).
Molecular consequence: synonymous variant.
Genome position (GRCh38, 1-based): chr1:225,937,471, C>A on the plus strand (G>T on the coding strand, the complement: LEFTY2 is on the minus strand). VCF-style: chr1-225937471-C-A. GRCh37 (hg19) VCF-style: chr1-226125171-C-A.
Other names: c.969G>T, p.Gly323= (NM_001172425.3); c.1071G>T (NM_003240.4).
Identifiers: ClinVar variation 3684681 (VCV003684681.3).